The following is an entry in ClinVar:

ClinVar aggregate classification (germline): Benign/Likely benign. Review status: criteria provided, multiple submitters, no conflicts (2 of 4 stars). 7 submissions from 7 submitters: Benign (5); Likely benign (2). Last evaluated 2026-01-02.

Allele frequency attached by ClinVar (database versions not stated): gnomAD exomes 0.00081; ExAC 0.00166; ESP Exome Variant Server 0.00284; gnomAD 0.00304 and 0.00322; TOPMed 0.00370; 1000 Genomes Project 30x 0.00468; 1000 Genomes Project 0.00499.
gnomAD v4.1: 921 of 1,599,618 alleles (0.058%); highest among the groups gnomAD compares: African/African-American, 1.1%; 9 homozygotes.

Submissions (7):

Labcorp Genetics (formerly Invitae), Labcorp
Classification: Benign. Last evaluated: 2026-01-02. Review status: criteria provided, single submitter. Criteria: Invitae Variant Classification Sherloc (09022015). Collection method: clinical testing. Allele origin: germline.

Mayo Clinic Laboratories, Mayo Clinic
Classification: Likely benign. Last evaluated: 2025-09-26. Review status: criteria provided, single submitter. Criteria: ACMG Guidelines, 2015. Collection method: clinical testing. Allele origin: germline. Observed: 2 variant alleles.
Comment: BS1, BP4

Blueprint Genetics
Classification: Likely benign. Last evaluated: 2024-05-06. Review status: criteria provided, single submitter. Criteria: ACMG Guidelines, 2015. Collection method: clinical testing. Allele origin: germline.

GeneDx
Classification: Benign. Last evaluated: 2020-02-25. Review status: criteria provided, single submitter. Criteria: GeneDx Variant Classification Process June 2021. Collection method: clinical testing. Allele origin: germline. Affected: yes.

Eurofins Ntd Llc (ga)
Classification: Benign. Last evaluated: 2016-03-18. Review status: criteria provided, single submitter. Criteria: EGL Classification Definitions 2015. Collection method: clinical testing. Allele origin: germline. Observed: 1 variant allele, 1 heterozygote.

Laboratory for Molecular Medicine, Mass General Brigham Personalized Medicine
Classification: Benign. Last evaluated: 2012-04-30. Review status: criteria provided, single submitter. Criteria: LMM Criteria. Collection method: clinical testing. Allele origin: germline. Observed: 1 variant allele.
Comment: Arg192His in Exon 06 of TJP2: This variant is not expected to have clinical sign ificance because it has been identified in 0.8% (28/3624) of African American ch romosomes from a broad population by the NHLBI Exome Sequencing Project.

Breakthrough Genomics
Classification: Benign. Review status: criteria provided, single submitter. Criteria: ACMG Guidelines, 2015. Collection method: not provided. Allele origin: germline. Inheritance: Autosomal recessive inheritance. Affected: yes.

NM_004817.4(TJP2):c.644G>A (p.Arg215His)

Gene: TJP2 (tight junction protein 2; plus strand). Cytogenetic location: 9q21.11.
Variant type: single nucleotide variant.
Coding change: c.644G>A on transcript NM_004817.4 (MANE Select); coding-DNA position 644, G replaced by A.
Protein change: p.Arg215His; replaces arginine 215 with histidine.
Molecular consequence: missense variant.
Genome position (GRCh38, 1-based): chr9:69,221,188, G>A. VCF-style: chr9-69221188-G-A. GRCh37 (hg19) VCF-style: chr9-71836104-G-A.
Other names: p.Arg215His; c.575G>A, p.Arg192His (NM_001170414.2, NM_001369870.1, NM_001369871.1); c.656G>A, p.Arg219His (NM_001170415.1, NM_001369874.1, NM_001369875.1); c.737G>A, p.Arg246His (NM_001170416.2); c.644G>A, p.Arg215His (NM_001369872.1, NM_001369873.1, NM_201629.3); short protein forms R192H, R215H, R219H, R246H.
Identifiers: ClinVar variation 178542 (VCV000178542.23), dbSNP rs201977617, ClinGen allele CA182525.